The following is an entry in ClinVar:

NM_001376.5(DYNC1H1):c.694T>C (p.Phe232Leu)

Gene: DYNC1H1 (dynein cytoplasmic 1 heavy chain 1; plus strand). Cytogenetic location: 14q32.31.
Variant type: single nucleotide variant.
Coding change: c.694T>C on transcript NM_001376.5 (MANE Select); coding-DNA position 694, T replaced by C.
Protein change: p.Phe232Leu; replaces phenylalanine 232 with leucine.
Molecular consequence: missense variant.
Genome position (GRCh38, 1-based): chr14:101,979,894, T>C. VCF-style: chr14-101979894-T-C. GRCh37 (hg19) VCF-style: chr14-102446231-T-C.
Other names: short protein forms F232L.
Identifiers: ClinVar variation 842772 (VCV000842772.10), dbSNP rs1301539761, ClinGen allele CA391008737.
Genomic context (GRCh38, chr14:101,979,894, plus strand): 5'-ATGATCACAAATGTTGCAAAACAGTGTTATGAGCGTGGAGAAAAGCCAAAAGTTACAGAC[T>C]TTGGTGATAAGGTTGAAGACCCAACATTTCTTAATCAGTTACAATCTGGAGTTAACCGCT-3'
Protein context (NP_001367.2, residues 222-242): ERGEKPKVTD[Phe232Leu]GDKVEDPTFL

ClinVar aggregate classification (germline): Conflicting classifications of pathogenicity. Review status: criteria provided, conflicting classifications (1 of 4 stars). 2 submissions from 2 submitters: Uncertain significance (1); Likely benign (1). Last evaluated 2025-12-08.

Conditions:
Inborn genetic diseases. Identifiers: MedGen C0950123, MeSH D030342.
Charcot-Marie-Tooth disease axonal type 2O. Also called: CHARCOT-MARIE-TOOTH NEUROPATHY, AXONAL, TYPE 2O; CHARCOT-MARIE-TOOTH DISEASE, AXONAL, AUTOSOMAL DOMINANT, TYPE 2O; Charcot-Marie-Tooth disease, axonal, type 20; Charcot-Marie-Tooth Neuropathy Type 2O. Identifiers: Orphanet 284232, MedGen C3280220, MONDO:0013644, OMIM 614228.

Allele frequency attached by ClinVar (database versions not stated): gnomAD exomes below 0.00001; TOPMed 0.00002; gnomAD 0.00002.
gnomAD v4.1: 5 of 1,614,086 alleles (0.00031%); highest among the groups gnomAD compares: East Asian, 0.0022%; no homozygotes.

Submissions (2):

Ambry Genetics
Classification: Uncertain significance for Inborn genetic diseases. Last evaluated: 2025-12-08. Review status: criteria provided, single submitter. Criteria: Ambry Variant Classification Scheme 2023. Collection method: clinical testing. Allele origin: germline.
Comment: The c.694T>C (p.F232L) alteration is located in exon 4 (coding exon 4) of the DYNC1H1 gene. This alteration results from a T to C substitution at nucleotide position 694, causing the phenylalanine (F) at amino acid position 232 to be replaced by a leucine (L). Based on data from gnomAD, the C allele has an overall frequency of <0.001% (1/251440) total alleles studied. The highest observed frequency was 0.001% (1/113744) of European (non-Finnish) alleles. Based on insufficient or conflicting evidence, the clinical significance of this alteration remains unclear.

Labcorp Genetics (formerly Invitae), Labcorp
Classification: Likely benign for Charcot-Marie-Tooth disease axonal type 2O. Last evaluated: 2024-08-06. Review status: criteria provided, single submitter. Criteria: Invitae Variant Classification Sherloc (09022015). Collection method: clinical testing. Allele origin: germline.